The following is an entry in ClinVar:

NM_014425.5(INVS):c.301C>T (p.Leu101Phe)

Gene: INVS (inversin; plus strand). Cytogenetic location: 9q31.1.
Variant type: single nucleotide variant.
Coding change: c.301C>T on transcript NM_014425.5 (MANE Select); coding-DNA position 301, C replaced by T.
Protein change: p.Leu101Phe; replaces leucine 101 with phenylalanine.
Molecular consequence: missense variant. On other transcripts: 5 prime UTR variant (1), non-coding transcript variant (1).
Genome position (GRCh38, 1-based): chr9:100,226,089, C>T. VCF-style: chr9-100226089-C-T. GRCh37 (hg19) VCF-style: chr9-102988371-C-T.
Other names: c.13C>T, p.Leu5Phe (NM_001318381.2); c.-689C>T (NM_001318382.2); c.301C>T (NM_014425.2); short protein forms L101F, L5F.
Identifiers: ClinVar variation 435519 (VCV000435519.9), dbSNP rs757623556, ClinGen allele CA5158136.

ClinVar aggregate classification (germline): Uncertain significance. Review status: criteria provided, multiple submitters, no conflicts (2 of 4 stars). 4 submissions from 4 submitters: Uncertain significance (4). Last evaluated 2024-06-25.

Conditions:
Inborn genetic diseases. Identifiers: MedGen C0950123, MeSH D030342.
Nephronophthisis. Also called: Juvenile Nephronophthisis. Identifiers: Orphanet 655, MedGen C0687120, MONDO:0019005, HP:0000090.
Infantile nephronophthisis (NPHP2). Also called: Nephronophthisis 2; Nephronophthisis 2, infantile. Identifiers: Orphanet 655, Orphanet 93591, MedGen C1865872, MONDO:0011190, OMIM 602088.

Allele frequency attached by ClinVar (database versions not stated): ExAC 0.00001; gnomAD 0.00001; gnomAD exomes 0.00001; TOPMed 0.00003.
gnomAD v4.1: 11 of 1,613,324 alleles (0.00068%); highest among the groups gnomAD compares: Admixed American, 0.01%; no homozygotes.

Submissions (4):

Ambry Genetics
Classification: Uncertain significance for Inborn genetic diseases. Last evaluated: 2024-06-25. Review status: criteria provided, single submitter. Criteria: Ambry Variant Classification Scheme 2023. Collection method: clinical testing. Allele origin: germline.

Labcorp Genetics (formerly Invitae), Labcorp
Classification: Uncertain significance for Nephronophthisis. Last evaluated: 2022-08-10. Review status: criteria provided, single submitter. Criteria: Invitae Variant Classification Sherloc (09022015). Collection method: clinical testing. Allele origin: germline.
Comment: This sequence change replaces leucine, which is neutral and non-polar, with phenylalanine, which is neutral and non-polar, at codon 101 of the INVS protein (p.Leu101Phe). This variant is present in population databases (rs757623556, gnomAD 0.006%). This variant has not been reported in the literature in individuals affected with INVS-related conditions. ClinVar contains an entry for this variant (Variation ID: 435519). Algorithms developed to predict the effect of missense changes on protein structure and function are either unavailable or do not agree on the potential impact of this missense change (SIFT: "Deleterious"; PolyPhen-2: "Probably Damaging"; Align-GVGD: "Class C15"). Algorithms developed to predict the effect of sequence changes on RNA splicing suggest that this variant may create or strengthen a splice site. In summary, the available evidence is currently insufficient to determine the role of this variant in disease. Therefore, it has been classified as a Variant of Uncertain Significance.

Fulgent Genetics
Classification: Uncertain significance for Infantile nephronophthisis. Last evaluated: 2021-08-19. Review status: criteria provided, single submitter. Criteria: ACMG Guidelines, 2015. Collection method: clinical testing. Allele origin: unknown.

Genetic Services Laboratory, University of Chicago
Classification: Uncertain significance. Last evaluated: 2016-11-15. Review status: criteria provided, single submitter. Criteria: ACMG Guidelines, 2015. Collection method: clinical testing. Allele origin: germline. Affected: no.